The following is an entry in ClinVar:

ClinVar aggregate classification (germline): Conflicting classifications of pathogenicity. Review status: criteria provided, conflicting classifications (1 of 4 stars). 3 submissions from 3 submitters: Uncertain significance (2); Likely benign (1). Last evaluated 2026-02-09.

Conditions:
Dilated cardiomyopathy 1DD (CMD1DD). Identifiers: Orphanet 154, MedGen C2750995, MONDO:0013168, OMIM 613172.
Cardiovascular phenotype. Identifiers: MedGen CN230736.

Allele frequency attached by ClinVar (database versions not stated): gnomAD exomes below 0.00001; TOPMed below 0.00001; gnomAD 0.00001.
gnomAD v4.1: 6 of 1,551,588 alleles (0.00039%); highest among the groups gnomAD compares: Non-Finnish European, 0.00052%; no homozygotes.

Submissions (3):

Women's Health and Genetics/Laboratory Corporation of America, LabCorp
Classification: Uncertain significance. Last evaluated: 2026-02-09. Review status: criteria provided, single submitter. Criteria: LabCorp Variant Classification Summary - May 2015. Collection method: clinical testing. Allele origin: germline.

Labcorp Genetics (formerly Invitae), Labcorp
Classification: Likely benign for Dilated cardiomyopathy 1DD. Last evaluated: 2025-01-30. Review status: criteria provided, single submitter. Criteria: Invitae Variant Classification Sherloc (09022015). Collection method: clinical testing. Allele origin: germline.

Ambry Genetics
Classification: Uncertain significance for Cardiovascular phenotype. Last evaluated: 2024-12-09. Review status: criteria provided, single submitter. Criteria: Ambry Variant Classification Scheme 2023. Collection method: clinical testing. Allele origin: germline.
Comment: The p.Y231C variant (also known as c.692A>G), located in coding exon 2 of the RBM20 gene, results from an A to G substitution at nucleotide position 692. The tyrosine at codon 231 is replaced by cysteine, an amino acid with highly dissimilar properties. This amino acid position is well conserved in available vertebrate species. In addition, the in silico prediction for this alteration is inconclusive. Based on the available evidence, the clinical significance of this variant remains unclear.

NM_001134363.3(RBM20):c.692A>G (p.Tyr231Cys)

Gene: RBM20 (RNA binding motif protein 20; plus strand). Cytogenetic location: 10q25.2.
Variant type: single nucleotide variant.
Coding change: c.692A>G on transcript NM_001134363.3 (MANE Select); coding-DNA position 692, A replaced by G.
Protein change: p.Tyr231Cys; replaces tyrosine 231 with cysteine.
Molecular consequence: missense variant.
Genome position (GRCh38, 1-based): chr10:110,781,301, A>G. VCF-style: chr10-110781301-A-G. GRCh37 (hg19) VCF-style: chr10-112541059-A-G.
Other names: short protein forms Y231C.
Identifiers: ClinVar variation 2739894 (VCV002739894.5), dbSNP rs1287150773, ClinGen allele CA378382303.